The following is an entry in ClinVar:

NM_001361.5(DHODH):c.300T>A (p.His100Gln)

Gene: DHODH (dihydroorotate dehydrogenase (quinone); plus strand). Cytogenetic location: 16q22.2.
Variant type: single nucleotide variant.
Coding change: c.300T>A on transcript NM_001361.5 (MANE Select); coding-DNA position 300, T replaced by A.
Protein change: p.His100Gln; replaces histidine 100 with glutamine.
Molecular consequence: missense variant.
Genome position (GRCh38, 1-based): chr16:72,014,538, T>A. VCF-style: chr16-72014538-T-A. GRCh37 (hg19) VCF-style: chr16-72048437-T-A.
Other names: short protein forms H100Q.
Identifiers: ClinVar variation 2174377 (VCV002174377.4), dbSNP rs747517961, ClinGen allele CA8158592.
Genomic context (GRCh38, chr16:72,014,538, plus strand): 5'-GAGAGTTCTGGGCCATAAATTCCGAAATCCAGTAGGAATTGCTGCAGGATTTGACAAGCA[T>A]GGGGAAGCCGTGGACGGACTTTATAAGATGGGCTTTGGTTTTGTTGAGATAGGAAGTGTG-3'
Protein context (NP_001352.2, residues 90-110): PVGIAAGFDK[His100Gln]GEAVDGLYKM

ClinVar aggregate classification (germline): Uncertain significance. Review status: criteria provided, multiple submitters, no conflicts (2 of 4 stars). 2 submissions from 2 submitters: Uncertain significance (2). Last evaluated 2023-10-28.

Allele frequency attached by ClinVar (database versions not stated): ExAC 0.00001; gnomAD 0.00001.

Submissions (2):

GeneDx
Classification: Uncertain significance. Last evaluated: 2023-10-28. Review status: criteria provided, single submitter. Criteria: GeneDx Variant Classification Process June 2021. Collection method: clinical testing. Allele origin: germline. Affected: yes.
Comment: In silico analysis supports that this missense variant has a deleterious effect on protein structure/function; Has not been previously published as pathogenic or benign to our knowledge

Labcorp Genetics (formerly Invitae), Labcorp
Classification: Uncertain significance. Last evaluated: 2022-04-26. Review status: criteria provided, single submitter. Criteria: Invitae Variant Classification Sherloc (09022015). Collection method: clinical testing. Allele origin: germline.
Comment: In summary, the available evidence is currently insufficient to determine the role of this variant in disease. Therefore, it has been classified as a Variant of Uncertain Significance. Algorithms developed to predict the effect of missense changes on protein structure and function (SIFT, PolyPhen-2, Align-GVGD) all suggest that this variant is likely to be tolerated. This variant has not been reported in the literature in individuals affected with DHODH-related conditions. This variant is present in population databases (rs747517961, gnomAD 0.006%). This sequence change replaces histidine, which is basic and polar, with glutamine, which is neutral and polar, at codon 100 of the DHODH protein (p.His100Gln).